The following is an entry in ClinVar:

ClinVar aggregate classification (germline): Uncertain significance (1 of 4 stars; one submission).

gnomAD v4.1: 1 of 1,614,142 alleles (0.000062%); highest among the groups gnomAD compares: Non-Finnish European, 0.000085%; no homozygotes.

Submission:

Labcorp Genetics (formerly Invitae), Labcorp
Classification: Uncertain significance. Last evaluated: 2025-06-24. Review status: criteria provided, single submitter. Criteria: Invitae Variant Classification Sherloc (09022015). Collection method: clinical testing. Allele origin: germline.
Comment: This sequence change replaces serine, which is neutral and polar, with tyrosine, which is neutral and polar, at codon 593 of the BACH2 protein (p.Ser593Tyr). This variant is not present in population databases (gnomAD no frequency). This variant has not been reported in the literature in individuals affected with BACH2-related conditions. ClinVar contains an entry for this variant (Variation ID: 2838844). Invitae Evidence Modeling of protein sequence and biophysical properties (such as structural, functional, and spatial information, amino acid conservation, physicochemical variation, residue mobility, and thermodynamic stability) indicates that this missense variant is expected to disrupt BACH2 protein function with a positive predictive value of 80%. In summary, the available evidence is currently insufficient to determine the role of this variant in disease. Therefore, it has been classified as a Variant of Uncertain Significance.

NM_021813.4(BACH2):c.1778C>A (p.Ser593Tyr)

Gene: BACH2 (BACH transcriptional regulator 2; minus strand). Cytogenetic location: 6q15.
Variant type: single nucleotide variant.
Coding change: c.1778C>A on transcript NM_021813.4 (MANE Select); coding-DNA position 1778, C replaced by A.
Protein change: p.Ser593Tyr; replaces serine 593 with tyrosine.
Molecular consequence: missense variant.
Genome position (GRCh38, 1-based): chr6:89,950,328, G>T on the plus strand (C>A on the coding strand, the complement: BACH2 is on the minus strand). VCF-style: chr6-89950328-G-T. GRCh37 (hg19) VCF-style: chr6-90660047-G-T.
Other names: c.1778C>A, p.Ser593Tyr (NM_001170794.2); short protein forms S593Y.
Identifiers: ClinVar variation 2838844 (VCV002838844.3), dbSNP rs1206260218, ClinGen allele CA365070097.